The following is an entry in ClinVar:

ClinVar aggregate classification (germline): Uncertain significance. Review status: criteria provided, single submitter (1 of 4 stars). 2 submissions from 2 submitters: Uncertain significance (1). 1 of the submissions does not count toward it. Last evaluated 2025-05-12.

Conditions:
Macrothrombocytopenia and granulocyte inclusions with or without nephritis or sensorineural hearing loss (MATINS). Also called: BLEEDING DISORDER, PLATELET-TYPE, 6; MAY-HEGGLIN ANOMALY; MYH9-Related Disease (MYH9-RD); DOHLE LEUKOCYTE INCLUSIONS WITH GIANT PLATELETS; MACROTHROMBOCYTOPENIA WITH LEUKOCYTE INCLUSIONS; SEBASTIAN PLATELET SYNDROME. Identifiers: Orphanet 182050, MedGen C5200934, MONDO:0015912, OMIM 155100.

Submissions (2):

Dasa
Classification: Uncertain significance. Last evaluated: 2025-05-12. Review status: criteria provided, single submitter. Criteria: DASA Assertion Criteria. Collection method: clinical testing. Allele origin: germline.
Comment: NM_002473.6(MYH9):c.2707C>T (p.Arg903Trp) is a missense variant that results in the substitution of arginine with tryptophan. This variant is absent from population databases. Computational prediction algorithms are consistent with a deleterious effect. The currently available literature and clinical evidence are not sufficient to establish a definitive association between this variant and the reported condition. Therefore, this variant is classified as a variant of uncertain significance.

ISTH-SSC Genomics in Thrombosis and Hemostasis, KU Leuven, Center for Molecular and Vascular Biology
Classification: Uncertain significance for Macrothrombocytopenia and granulocyte inclusions with or without nephritis or sensorineural hearing loss. Review status: no assertion criteria provided. Collection method: research. Allele origin: unknown. Affected: yes. Not counted in ClinVar's aggregate classification.
Comment: Submitted to GoldVariant by Dr Marie-Christine Morel-Kopp from Northern Blood Research Centre, Sydney, Australia

NM_002473.6(MYH9):c.2707C>T (p.Arg903Trp)

Genes: MYH9 (myosin heavy chain 9; minus strand), LOC126863137 (CDK7 strongly-dependent group 2 enhancer GRCh37_chr22:36696002-36697201; plus strand). Cytogenetic location: 22q12.3.
Variant type: single nucleotide variant.
Coding change: c.2707C>T on transcript NM_002473.6 (MANE Select); coding-DNA position 2707, C replaced by T.
Protein change: p.Arg903Trp; replaces arginine 903 with tryptophan.
Molecular consequence: missense variant.
Genome position (GRCh38, 1-based): chr22:36,300,982, G>A on the plus strand (C>T on the coding strand, the complement: MYH9 is on the minus strand). VCF-style: chr22-36300982-G-A. GRCh37 (hg19) VCF-style: chr22-36697028-G-A.
Other names: short protein forms R903W.
Identifiers: ClinVar variation 1691243 (VCV001691243.3), dbSNP rs2146343691, ClinGen allele CA411393396.